The following is an entry in ClinVar:

NM_013382.7(POMT2):c.85G>A (p.Ala29Thr)

Gene: POMT2 (protein O-mannosyltransferase 2; minus strand). Cytogenetic location: 14q24.3.
Variant type: single nucleotide variant.
Coding change: c.85G>A on transcript NM_013382.7 (MANE Select); coding-DNA position 85, G replaced by A.
Protein change: p.Ala29Thr; replaces alanine 29 with threonine.
Molecular consequence: missense variant.
Genome position (GRCh38, 1-based): chr14:77,320,597, C>T on the plus strand (G>A on the coding strand, the complement: POMT2 is on the minus strand). VCF-style: chr14-77320597-C-T. GRCh37 (hg19) VCF-style: chr14-77786940-C-T.
Other names: short protein forms A29T.
Identifiers: ClinVar variation 2199297 (VCV002199297.2), dbSNP rs760784558, ClinGen allele CA390504800.

ClinVar aggregate classification (germline): Uncertain significance. Review status: criteria provided, multiple submitters, no conflicts (2 of 4 stars). 2 submissions from 2 submitters: Uncertain significance (2). Last evaluated 2022-12-04.

Conditions:
Muscular dystrophy-dystroglycanopathy (congenital with impaired intellectual development), type B, 2. Also called: Muscular dystrophy-dystroglycanopathy (congenital with intellectual disability), type B2; MUSCULAR DYSTROPHY, CONGENITAL, POMT2-RELATED. Identifiers: MedGen C3150416, MONDO:0013160, OMIM 613156.
Autosomal recessive limb-girdle muscular dystrophy type 2N. Also called: MUSCULAR DYSTROPHY-DYSTROGLYCANOPATHY, LIMB-GIRDLE, POMT2-RELATED; Muscular dystrophy-dystroglycanopathy (limb-girdle), type C, 2. Identifiers: Orphanet 206559, MedGen C3150418, MONDO:0013162, OMIM 613158.
Muscular dystrophy-dystroglycanopathy (congenital with brain and eye anomalies), type A2. Also called: MUSCULAR DYSTROPHY-DYSTROGLYCANOPATHY (CONGENITAL WITH BRAIN AND EYE ANOMALIES), TYPE A, 2; WALKER-WARBURG SYNDROME OR MUSCLE-EYE-BRAIN DISEASE, POMT2-RELATED. Identifiers: Orphanet 588, Orphanet 899, MedGen C3150411, MONDO:0013154, OMIM 613150.

Allele frequency attached by ClinVar (database versions not stated): gnomAD exomes below 0.00001.
gnomAD v4.1: 1 of 1,583,490 alleles (0.000063%); highest among the groups gnomAD compares: Admixed American, 0.0017%; no homozygotes.

Submissions (2):

GeneDx
Classification: Uncertain significance. Last evaluated: 2022-12-04. Review status: criteria provided, single submitter. Criteria: GeneDx Variant Classification Process June 2021. Collection method: clinical testing. Allele origin: germline. Affected: yes.
Comment: Not observed at significant frequency in large population cohorts (gnomAD); In silico analysis supports that this missense variant does not alter protein structure/function; Has not been previously published as pathogenic or benign to our knowledge

Labcorp Genetics (formerly Invitae), Labcorp
Classification: Uncertain significance for Muscular dystrophy-dystroglycanopathy (congenital with impaired intellectual development), type B, 2; Muscular dystrophy-dystroglycanopathy (congenital with brain and eye anomalies), type A2; Autosomal recessive limb-girdle muscular dystrophy type 2N. Last evaluated: 2022-08-10. Review status: criteria provided, single submitter. Criteria: Invitae Variant Classification Sherloc (09022015). Collection method: clinical testing. Allele origin: germline.
Comment: This sequence change replaces alanine, which is neutral and non-polar, with threonine, which is neutral and polar, at codon 29 of the POMT2 protein (p.Ala29Thr). This variant is not present in population databases (gnomAD no frequency). This variant has not been reported in the literature in individuals affected with POMT2-related conditions. Algorithms developed to predict the effect of missense changes on protein structure and function (SIFT, PolyPhen-2, Align-GVGD) all suggest that this variant is likely to be tolerated. In summary, the available evidence is currently insufficient to determine the role of this variant in disease. Therefore, it has been classified as a Variant of Uncertain Significance.